The following is an entry in ClinVar:

NM_016203.4(PRKAG2):c.186+109T>C

Gene: PRKAG2 (protein kinase AMP-activated non-catalytic subunit gamma 2; minus strand). Cytogenetic location: 7q36.1.
Variant type: single nucleotide variant.
Coding change: c.186+109T>C on transcript NM_016203.4 (MANE Select); 109 bases into the intron after coding-DNA position 186, T replaced by C.
Molecular consequence: intron variant.
Genome position (GRCh38, 1-based): chr7:151,786,361, A>G on the plus strand (T>C on the coding strand, the complement: PRKAG2 is on the minus strand). VCF-style: chr7-151786361-A-G. GRCh37 (hg19) VCF-style: chr7-151483447-A-G.
Other names: c.54+109T>C (NM_001040633.2).
Identifiers: ClinVar variation 672917 (VCV000672917.2), dbSNP rs77505659, ClinGen allele CA169174325.

ClinVar aggregate classification (germline): Benign. Review status: criteria provided, multiple submitters, no conflicts (2 of 4 stars). 2 submissions from 2 submitters: Benign (2). Last evaluated 2018-06-14.

Allele frequency attached by ClinVar (database versions not stated): gnomAD exomes 0.00378; gnomAD 0.03350 and 0.03594; 1000 Genomes Project 0.03375; 1000 Genomes Project 30x 0.03607; TOPMed 0.03815.
gnomAD v4.1: 8,900 of 1,091,516 alleles (0.82%); highest among the groups gnomAD compares: African/African-American, 11%; 449 homozygotes.

Submissions (2):

GeneDx
Classification: Benign. Last evaluated: 2018-06-14. Review status: criteria provided, single submitter. Criteria: GeneDx Variant Classification (06012015). Collection method: clinical testing. Allele origin: germline. Affected: yes.
Comment: This variant is considered likely benign or benign based on one or more of the following criteria: it is a conservative change, it occurs at a poorly conserved position in the protein, it is predicted to be benign by multiple in silico algorithms, and/or has population frequency not consistent with disease.

Breakthrough Genomics
Classification: Benign. Review status: criteria provided, single submitter. Criteria: ACMG Guidelines, 2015. Collection method: not provided. Allele origin: germline. Inheritance: Autosomal dominant inheritance. Affected: yes.